The following is an entry in ClinVar:

ClinVar aggregate classification (germline): Pathogenic (0 of 4 stars; one submission).

Submission:

Leiden Open Variation Database
Classification: Pathogenic. Last evaluated: 2021-04-06. Review status: no assertion criteria provided. Collection method: curation. Allele origin: germline. Affected: yes.
Comment: Curator: Global Variome, with Curator vacancy. Submitter to LOVD: Manon Peeters. Comment: Variant observed de novo.

Literature cited by the submitters: PubMed 30902645.

NM_000322.5(PRPH2):c.626del (p.Val209fs)

Gene: PRPH2 (peripherin 2; minus strand). Cytogenetic location: 6p21.1.
Variant type: Deletion.
Coding change: c.626del on transcript NM_000322.5 (MANE Select); coding-DNA position 626, one base deleted (T; older notation c.626delT).
Protein change: p.Val209fs; shifts the reading frame from valine 209.
Molecular consequence: frameshift variant.
Genome position (GRCh38, 1-based): chr6:42,704,567, A deleted on the plus strand (T on the coding strand, the reverse complement: PRPH2 is on the minus strand). VCF-style (leftmost placement, unchanged base first): chr6-42704566-GA-G. GRCh37 (hg19) VCF-style: chr6-42672304-GA-G.
Other names: short protein forms V209fs.
Identifiers: ClinVar variation 1175264 (VCV001175264.1), dbSNP rs2152005360, ClinGen allele CA2499218277.
Genomic context (GRCh38, chr6:42,704,566, plus strand): 5'-GTTGGTGATCTGATACTGGATGCAGGGCCGTGGCGAGCTAGGATTGCAGCAGCTGAAAGG[GA>G]CGCCGTCCACCAGGTACCGCCCATCCACGTTGCTCTTGATTCGACTTAAAGGGAAACAGA-3'